The following is an entry in ClinVar:

NM_032808.7(LINGO1):c.1825G>A (p.Ala609Thr)

Gene: LINGO1 (leucine rich repeat and Ig domain containing 1; minus strand). Cytogenetic location: 15q24.3.
Variant type: single nucleotide variant.
Coding change: c.1825G>A on transcript NM_032808.7 (MANE Select); coding-DNA position 1825, G replaced by A.
Protein change: p.Ala609Thr; replaces alanine 609 with threonine.
Molecular consequence: missense variant.
Genome position (GRCh38, 1-based): chr15:77,614,082, C>T on the plus strand (G>A on the coding strand, the complement: LINGO1 is on the minus strand). VCF-style: chr15-77614082-C-T. GRCh37 (hg19) VCF-style: chr15-77906424-C-T.
Other names: c.1807G>A, p.Ala603Thr (NM_001301186.2, NM_001301187.2, NM_001301189.2 and 8 more transcripts); c.1825G>A (NM_032808.5); short protein forms A603T, A609T.
Identifiers: ClinVar variation 1342495 (VCV001342495.2), dbSNP rs367728067, ClinGen allele CA7677715.

ClinVar aggregate classification (germline): Uncertain significance. Review status: criteria provided, multiple submitters, no conflicts (2 of 4 stars). 2 submissions from 2 submitters: Uncertain significance (2). Last evaluated 2024-03-08.

Conditions:
Intellectual developmental disorder, autosomal recessive 64. Also called: MENTAL RETARDATION, AUTOSOMAL RECESSIVE 64; Intellectual disability, autosomal recessive 64. Identifiers: MedGen C4748192, MONDO:0020846, OMIM 618103.

Allele frequency attached by ClinVar (database versions not stated): ExAC 0.00001; gnomAD 0.00002 and 0.00001; gnomAD exomes 0.00003 and 0.00002; 1000 Genomes Project 30x 0.00016; TOPMed 0.00003; ESP Exome Variant Server 0.00008; 1000 Genomes Project 0.00020.
gnomAD v4.1: 30 of 1,611,782 alleles (0.0019%); highest among the groups gnomAD compares: South Asian, 0.0088%; 1 homozygote.

Submissions (2):

Ambry Genetics
Classification: Uncertain significance. Last evaluated: 2024-03-08. Review status: criteria provided, single submitter. Criteria: Ambry Variant Classification Scheme 2023. Collection method: clinical testing. Allele origin: germline.

New York Genome Center
Classification: Uncertain significance for Intellectual developmental disorder, autosomal recessive 64. Last evaluated: 2021-04-01. Review status: criteria provided, single submitter. Criteria: NYGC Assertion Criteria 2020. Collection method: clinical testing. Allele origin: inherited. Observed: 1 homozygote. Study: CSER-NYCKidSeq.
Comment: The homozygous missense c.1807G>A (p.Ala603Thr) variant identified in exon 6 (of 6) of the LINGO1 gene has not been reported in affected individuals in the literature. The variant has 0.00001971 allele frequency in the gnomAD(v3) database (3 out of 152170 heterozygous alleles, no homozygotes) suggesting it is not a common benign variant in the populations represented in that database. The variant affects a moderately conserved residue. In silico tools show conflicting predictions about potential pathogenicity of this variant. Based on the available evidence, the homozygous missense c.1807G>A (p.Ala603Thr) variant identified in the LINGO1 gene is reported as a variant of uncertain significance.